The following is an entry in ClinVar:

NM_015346.4(ZFYVE26):c.6870A>G (p.Ser2290=)

Gene: ZFYVE26 (zinc finger FYVE-type containing 26; minus strand). Cytogenetic location: 14q24.1.
Variant type: single nucleotide variant.
Coding change: c.6870A>G on transcript NM_015346.4 (MANE Select); coding-DNA position 6870, A replaced by G.
Protein change: p.Ser2290=; no amino-acid change (serine 2290 retained).
Molecular consequence: synonymous variant.
Genome position (GRCh38, 1-based): chr14:67,755,167, T>C on the plus strand (A>G on the coding strand, the complement: ZFYVE26 is on the minus strand). VCF-style: chr14-67755167-T-C. GRCh37 (hg19) VCF-style: chr14-68221884-T-C.
Other names: c.6870A>G (NM_015346.3).
Identifiers: ClinVar variation 425045 (VCV000425045.51), dbSNP rs766701632, ClinGen allele CA7239121.

ClinVar aggregate classification (germline): Conflicting classifications of pathogenicity. Review status: criteria provided, conflicting classifications (1 of 4 stars). 4 submissions from 4 submitters: Uncertain significance (1); Likely benign (3). Last evaluated 2025-07-02.

Conditions:
Spastic paraplegia. Identifiers: MedGen C0037772, HP:0001258.

Allele frequency attached by ClinVar (database versions not stated): gnomAD exomes below 0.00001; ExAC 0.00001; gnomAD 0.00001; TOPMed 0.00002.
gnomAD v4.1: 11 of 1,614,106 alleles (0.00068%); highest among the groups gnomAD compares: Non-Finnish European, 0.00093%; no homozygotes.

Submissions (4):

Athena Diagnostics
Classification: Likely benign. Last evaluated: 2025-07-02. Review status: criteria provided, single submitter. Criteria: Athena Diagnostics Criteria. Collection method: clinical testing. Allele origin: unknown.
Comment: Computational tools yielded predictions that this variant is unlikely to have an effect on normal RNA splicing. This nucleotide position exhibits low evolutionary conservation.

Labcorp Genetics (formerly Invitae), Labcorp
Classification: Likely benign for Spastic paraplegia. Last evaluated: 2023-11-28. Review status: criteria provided, single submitter. Criteria: Invitae Variant Classification Sherloc (09022015). Collection method: clinical testing. Allele origin: germline.

Blueprint Genetics
Classification: Likely benign. Last evaluated: 2023-03-27. Review status: criteria provided, single submitter. Criteria: ACMG Guidelines, 2015. Collection method: clinical testing. Allele origin: germline.

CeGaT Center for Human Genetics Tuebingen
Classification: Uncertain significance. Last evaluated: 2017-01-01. Review status: criteria provided, single submitter. Criteria: CeGaT Center For Human Genetics Tuebingen Variant Classification Criteria Version 2. Collection method: clinical testing. Allele origin: germline. Affected: yes. Observed: 1 variant allele.